The following is an entry in ClinVar:

NM_000340.2(SLC2A2):c.372-16C>T

Gene: SLC2A2 (solute carrier family 2 member 2; minus strand). Cytogenetic location: 3q26.2.
Variant type: single nucleotide variant.
Coding change: c.372-16C>T on transcript NM_000340.2 (MANE Select); 16 bases into the intron before coding-DNA position 372, C replaced by T.
Molecular consequence: intron variant.
Genome position (GRCh38, 1-based): chr3:171,010,098, G>A on the plus strand (C>T on the coding strand, the complement: SLC2A2 is on the minus strand). VCF-style: chr3-171010098-G-A. GRCh37 (hg19) VCF-style: chr3-170727887-G-A.
Other names: c.15-16C>T (NM_001278658.2); c.-23-2835C>T (NM_001278659.2).
Identifiers: ClinVar variation 509357 (VCV000509357.4), dbSNP rs372176041, ClinGen allele CA2702709.

ClinVar aggregate classification (germline): Likely benign. Review status: criteria provided, multiple submitters, no conflicts (2 of 4 stars). 3 submissions from 3 submitters: Likely benign (3). Last evaluated 2025-12-22.

Conditions:
Fanconi-Bickel syndrome (FBS). Also called: Glycogen storage disease due to GLUT2 deficiency; PSEUDO-PHLORIZIN DIABETES; FANCONI SYNDROME WITH INTESTINAL MALABSORPTION AND GALACTOSE INTOLERANCE; HEPATIC GLYCOGENOSIS WITH AMINO ACIDURIA AND GLUCOSURIA; HEPATIC GLYCOGENOSIS WITH FANCONI NEPHROPATHY; HEPATORENAL GLYCOGENOSIS WITH RENAL FANCONI SYNDROME. Identifiers: Orphanet 2088, MedGen C3495427, MONDO:0009216, OMIM 227810.
Type 2 diabetes mellitus. Also called: Type II diabetes mellitus. Identifiers: MedGen C0011860, MeSH D003924, MONDO:0005148, OMIM 125853, HP:0005978.

Allele frequency attached by ClinVar (database versions not stated): gnomAD exomes 0.00005 and 0.00011; gnomAD 0.00007; TOPMed 0.00011; ExAC 0.00012; ESP Exome Variant Server 0.00015.
gnomAD v4.1: 82 of 1,610,794 alleles (0.0051%); highest among the groups gnomAD compares: Admixed American, 0.027%; no homozygotes.

Submissions (3):

Labcorp Genetics (formerly Invitae), Labcorp
Classification: Likely benign for Fanconi-Bickel syndrome. Last evaluated: 2025-12-22. Review status: criteria provided, single submitter. Criteria: Invitae Variant Classification Sherloc (09022015). Collection method: clinical testing. Allele origin: germline.

Fulgent Genetics
Classification: Likely benign for Type 2 diabetes mellitus; Fanconi-Bickel syndrome. Last evaluated: 2021-12-09. Review status: criteria provided, single submitter. Criteria: ACMG Guidelines, 2015. Collection method: clinical testing. Allele origin: unknown.

GeneDx
Classification: Likely benign. Last evaluated: 2017-05-18. Review status: criteria provided, single submitter. Criteria: GeneDx Variant Classification (06012015). Collection method: clinical testing. Allele origin: germline. Affected: yes.
Comment: This variant is considered likely benign or benign based on one or more of the following criteria: it is a conservative change, it occurs at a poorly conserved position in the protein, it is predicted to be benign by multiple in silico algorithms, and/or has population frequency not consistent with disease.